The following is an entry in ClinVar:

NM_004924.6(ACTN4):c.2548G>A (p.Ala850Thr)

Gene: ACTN4 (actinin alpha 4; plus strand). Cytogenetic location: 19q13.2.
Variant type: single nucleotide variant.
Coding change: c.2548G>A on transcript NM_004924.6 (MANE Select); coding-DNA position 2548, G replaced by A.
Protein change: p.Ala850Thr; replaces alanine 850 with threonine.
Molecular consequence: missense variant.
Genome position (GRCh38, 1-based): chr19:38,729,125, G>A. VCF-style: chr19-38729125-G-A. GRCh37 (hg19) VCF-style: chr19-39219765-G-A.
Other names: c.2533G>A, p.Ala845Thr (NM_001322033.2); c.2548G>A, p.Ala850Thr (NM_001411143.1); short protein forms A850T, A845T.
Identifiers: ClinVar variation 3727626 (VCV003727626.2).

ClinVar aggregate classification (germline): Uncertain significance (1 of 4 stars; one submission).

gnomAD v4.1: 17 of 1,613,078 alleles (0.0011%); highest among the groups gnomAD compares: Non-Finnish European, 0.0011%; no homozygotes.

Submission:

Labcorp Genetics (formerly Invitae), Labcorp
Classification: Uncertain significance. Last evaluated: 2025-10-23. Review status: criteria provided, single submitter. Criteria: Invitae Variant Classification Sherloc (09022015). Collection method: clinical testing. Allele origin: germline.
Comment: This sequence change replaces alanine, which is neutral and non-polar, with threonine, which is neutral and polar, at codon 850 of the ACTN4 protein (p.Ala850Thr). This variant is present in population databases (rs376869655, gnomAD 0.01%). This variant has not been reported in the literature in individuals affected with ACTN4-related conditions. ClinVar contains an entry for this variant (Variation ID: 3727626). An algorithm developed to predict the effect of missense changes on protein structure and function (PolyPhen-2) suggests that this variant is likely to be disruptive. In summary, the available evidence is currently insufficient to determine the role of this variant in disease. Therefore, it has been classified as a Variant of Uncertain Significance.